The following is an entry in ClinVar:

NM_213655.5(WNK1):c.2684C>G (p.Thr895Ser)

Gene: WNK1 (WNK lysine deficient protein kinase 1; plus strand). Cytogenetic location: 12p13.33.
Variant type: single nucleotide variant.
Coding change: c.2684C>G on transcript NM_213655.5 (MANE Plus Clinical); coding-DNA position 2684, C replaced by G.
Protein change: p.Thr895Ser; replaces threonine 895 with serine.
Molecular consequence: missense variant. On other transcripts: intron variant (2).
Genome position (GRCh38, 1-based): chr12:868,155, C>G. VCF-style: chr12-868155-C-G. GRCh37 (hg19) VCF-style: chr12-977321-C-G.
Other names: p.Thr895Ser; c.2429C>G, p.Thr810Ser (NM_001184985.2); c.2140-3110C>G (NM_018979.4, NM_014823.3); short protein forms T895S, T810S.
Identifiers: ClinVar variation 1357693 (VCV001357693.9), dbSNP rs370517971, ClinGen allele CA6382223.

ClinVar aggregate classification (germline): Uncertain significance. Review status: criteria provided, multiple submitters, no conflicts (2 of 4 stars). 4 submissions from 4 submitters: Uncertain significance (4). Last evaluated 2025-03-03.

Conditions:
Neuropathy, hereditary sensory and autonomic, type 2A (HSAN2A). Also called: WNK1-Related HSAN2 (HSAN2A); MORVAN DISEASE; NEUROPATHY, CONGENITAL SENSORY; NEUROPATHY, HEREDITARY SENSORY RADICULAR, AUTOSOMAL RECESSIVE; NEUROPATHY, HEREDITARY SENSORY, TYPE IIA; NEUROPATHY, PROGRESSIVE SENSORY, OF CHILDREN. Identifiers: Orphanet 970, MedGen C2752089, MONDO:0024309, OMIM 201300.
Pseudohypoaldosteronism type 2C (PHA2C). Also called: Pseudohypoaldosteronism Type IIC. Identifiers: Orphanet 757, Orphanet 88940, MedGen C1840391, MONDO:0013778, OMIM 614492.

Allele frequency attached by ClinVar (database versions not stated): ExAC 0.00001.
gnomAD v4.1: 45 of 1,613,934 alleles (0.0028%); highest among the groups gnomAD compares: Non-Finnish European, 0.0037%; no homozygotes.

Submissions (4):

Mayo Clinic Laboratories, Mayo Clinic
Classification: Uncertain significance. Last evaluated: 2025-03-03. Review status: criteria provided, single submitter. Criteria: ACMG Guidelines, 2015. Collection method: clinical testing. Allele origin: germline. Observed: 1 variant allele.
Comment: BP4

Women's Health and Genetics/Laboratory Corporation of America, LabCorp
Classification: Uncertain significance. Last evaluated: 2024-12-04. Review status: criteria provided, single submitter. Criteria: LabCorp Variant Classification Summary - May 2015. Collection method: clinical testing. Allele origin: germline.
Comment: Variant summary: WNK1 c.2140-3110C>G is located at a position not widely known to affect splicing (NM_018979.4). Two of three in-silico tools predict a benign effect of the variant on protein function. Several computational tools predict a significant impact on normal splicing: Three predict the variant creates a 5' donor site. However, these predictions have yet to be confirmed by functional studies. In addition, this variant corresponds to a missense change in another transcripts (NM_213655.5 c.2684C>G (p.T895S)). The variant allele was found at a frequency of 2.8e-05 in 1606938 control chromosomes in the gnomAD database (v4.1 dataset). This frequency is not higher than estimated maximum for a pathogenic variant in WNK1 causing Neuropathy, hereditary sensory and autonomic, type 2A (2.8e-05 vs 0.0011), allowing no conclusion about variant significance. To our knowledge, no occurrence of c.2140-3110C>G in individuals affected with Neuropathy, hereditary sensory and autonomic, type 2A and no experimental evidence demonstrating its impact on protein function have been reported. ClinVar contains an entry for this variant (Variation ID: 1357693). Based on the evidence outlined above, the variant was classified as uncertain significance.

Labcorp Genetics (formerly Invitae), Labcorp
Classification: Uncertain significance for Neuropathy, hereditary sensory and autonomic, type 2A; Pseudohypoaldosteronism type 2C. Last evaluated: 2024-07-19. Review status: criteria provided, single submitter. Criteria: Invitae Variant Classification Sherloc (09022015). Collection method: clinical testing. Allele origin: germline.
Comment: This sequence change replaces threonine, which is neutral and polar, with serine, which is neutral and polar, at codon 895 of the WNK1 protein (p.Thr895Ser). This variant is present in population databases (rs370517971, gnomAD 0.004%). This variant has not been reported in the literature in individuals affected with WNK1-related conditions. ClinVar contains an entry for this variant (Variation ID: 1357693). Advanced modeling of protein sequence and biophysical properties (such as structural, functional, and spatial information, amino acid conservation, physicochemical variation, residue mobility, and thermodynamic stability) performed at Invitae indicates that this missense variant is not expected to disrupt WNK1 protein function with a negative predictive value of 95%. In summary, the available evidence is currently insufficient to determine the role of this variant in disease. Therefore, it has been classified as a Variant of Uncertain Significance.

Fulgent Genetics
Classification: Uncertain significance for Neuropathy, hereditary sensory and autonomic, type 2A; Pseudohypoaldosteronism type 2C. Last evaluated: 2021-12-14. Review status: criteria provided, single submitter. Criteria: ACMG Guidelines, 2015. Collection method: clinical testing. Allele origin: unknown.